The following is an entry in ClinVar:

NM_001009944.3(PKD1):c.10168C>T (p.Gln3390Ter)

Gene: PKD1 (polycystin 1, transient receptor potential channel interacting; minus strand). Cytogenetic location: 16p13.3.
Variant type: single nucleotide variant.
Coding change: c.10168C>T on transcript NM_001009944.3 (MANE Select); coding-DNA position 10168, C replaced by T.
Protein change: p.Gln3390Ter; replaces glutamine 3390 with a stop codon.
Molecular consequence: nonsense. On other transcripts: intron variant (1).
Genome position (GRCh38, 1-based): chr16:2,097,780, G>A on the plus strand (C>T on the coding strand, the complement: PKD1 is on the minus strand). VCF-style: chr16-2097780-G-A. GRCh37 (hg19) VCF-style: chr16-2147781-G-A.
Other names: p.Gln3390Ter; c.10168-3C>T (NM_000296.4); short protein forms Q3390*.
Identifiers: ClinVar variation 1179107 (VCV001179107.3), dbSNP rs2151728536, ClinGen allele CA394347750.

ClinVar aggregate classification (germline): Pathogenic. Review status: criteria provided, multiple submitters, no conflicts (2 of 4 stars). 2 submissions from 2 submitters: Pathogenic (2). Last evaluated 2021-06-30.

Conditions:
Polycystic kidney disease, adult type (PKD1). Also called: POLYCYSTIC KIDNEY DISEASE 1 WITH OR WITHOUT POLYCYSTIC LIVER DISEASE; POLYCYSTIC KIDNEY DISEASE, ADULT, TYPE I; Polycystic Kidney Disease 1, Autosomal Dominant; Polycystic kidney disease 1; Polycystic kidney disease 1, severe; Polycystic Kidney, Autosomal Dominant. Identifiers: MedGen C3149841, MONDO:0008263, OMIM 173900.

gnomAD v4.1: 2 of 1,611,456 alleles (0.00012%); highest among the groups gnomAD compares: South Asian, 0.0011%; no homozygotes.

Submissions (2):

Fulgent Genetics
Classification: Pathogenic for Polycystic kidney disease, adult type. Last evaluated: 2021-06-30. Review status: criteria provided, single submitter. Criteria: ACMG Guidelines, 2015. Collection method: clinical testing. Allele origin: unknown.
Comment: This variant has been detected in individual(s) who were sent for testing of Renasight - kidney gene panel.

Foundation for Research in Genetics and Endocrinology, FRIGE's Institute of Human Genetics
Classification: Pathogenic for Polycystic kidney disease, adult type. Review status: criteria provided, single submitter. Criteria: ACMG Guidelines, 2015. Collection method: clinical testing. Allele origin: germline. Inheritance: Autosomal recessive inheritance. Affected: yes. Observed: 1 homozygote.
Comment: A homozygous nonsense variation in exon 32 of the PKD1 gene that results in the premature termination at codon 3390 was detected. The observed variant c.10168C>T (p.Gln3390Ter) has not been reported in the 1000 genomes and gnomAD databases. The truncated protein is predicted to have a length of 3389 amino acirds as oppesed to the original length of 4303 amino acids. The resultant protein is likely to lack the major functional domains of the protein (UniProt); this will likely result in loss of function. Moreover, due to introduction of a premature stop codon, this aberrant transcript will likely be trageted by the nonsense mediated mRNA decay mechanism. In summary, the variant meets our criteria to be classified as pathogenic.